The following is an entry in ClinVar:

NM_000048.4(ASL):c.599G>T (p.Gly200Val)

Gene: ASL (argininosuccinate lyase; plus strand). Cytogenetic location: 7q11.21.
Variant type: single nucleotide variant.
Coding change: c.599G>T on transcript NM_000048.4 (MANE Select); coding-DNA position 599, G replaced by T.
Protein change: p.Gly200Val; replaces glycine 200 with valine.
Molecular consequence: missense variant. On other transcripts: intron variant (1).
Genome position (GRCh38, 1-based): chr7:66,086,818, G>T. VCF-style: chr7-66086818-G-T. GRCh37 (hg19) VCF-style: chr7-65551805-G-T.
Other names: c.599G>T, p.Gly200Val (NM_001024943.2, NM_001024944.2); c.524+156G>T (NM_001024946.2); short protein forms G200V.
Identifiers: ClinVar variation 1521904 (VCV001521904.7), dbSNP rs2115726233, ClinGen allele CA367642774.

ClinVar aggregate classification (germline): Likely pathogenic. Review status: criteria provided, multiple submitters, no conflicts (2 of 4 stars). 2 submissions from 2 submitters: Likely pathogenic (2). Last evaluated 2024-02-09.

Conditions:
Argininosuccinate lyase deficiency. Also called: Argininosuccinic aciduria; ARGININOSUCCINIC ACID LYASE DEFICIENCY; ASL DEFICIENCY. Identifiers: Orphanet 23, MedGen C0268547, MONDO:0008815, OMIM 207900, HP:0025630.

Submissions (2):

Fulgent Genetics
Classification: Likely pathogenic for Argininosuccinate lyase deficiency. Last evaluated: 2024-02-09. Review status: criteria provided, single submitter. Criteria: ACMG Guidelines, 2015. Collection method: clinical testing. Allele origin: germline.

Labcorp Genetics (formerly Invitae), Labcorp
Classification: Likely pathogenic for Argininosuccinate lyase deficiency. Last evaluated: 2023-03-22. Review status: criteria provided, single submitter. Criteria: Invitae Variant Classification Sherloc (09022015). Collection method: clinical testing. Allele origin: germline.
Comment: This missense change has been observed in individual(s) with clinical features of argininosuccinate lyase deficiency (Invitae). This variant is not present in population databases (gnomAD no frequency). This sequence change replaces glycine, which is neutral and non-polar, with valine, which is neutral and non-polar, at codon 200 of the ASL protein (p.Gly200Val). ClinVar contains an entry for this variant (Variation ID: 1521904). In summary, the currently available evidence indicates that the variant is pathogenic, but additional data are needed to prove that conclusively. Therefore, this variant has been classified as Likely Pathogenic. Algorithms developed to predict the effect of sequence changes on RNA splicing suggest that this variant may disrupt the consensus splice site. Advanced modeling of protein sequence and biophysical properties (such as structural, functional, and spatial information, amino acid conservation, physicochemical variation, residue mobility, and thermodynamic stability) performed at Invitae indicates that this missense variant is expected to disrupt ASL protein function.